The following is an entry in ClinVar:

NM_002907.4(RECQL):c.571C>G (p.Pro191Ala)

Gene: RECQL (RecQ like helicase; minus strand). Cytogenetic location: 12p12.1.
Variant type: single nucleotide variant.
Coding change: c.571C>G on transcript NM_002907.4 (MANE Select); coding-DNA position 571, C replaced by G.
Protein change: p.Pro191Ala; replaces proline 191 with alanine.
Molecular consequence: missense variant.
Genome position (GRCh38, 1-based): chr12:21,483,505, G>C on the plus strand (C>G on the coding strand, the complement: RECQL is on the minus strand). VCF-style: chr12-21483505-G-C. GRCh37 (hg19) VCF-style: chr12-21636439-G-C.
Other names: c.571C>G, p.Pro191Ala (NM_032941.3); short protein forms P191A.
Identifiers: ClinVar variation 3944195 (VCV003944195.1).

ClinVar aggregate classification (germline): Uncertain significance (1 of 4 stars; one submission).

Submission:

Ambry Genetics
Classification: Uncertain significance. Last evaluated: 2025-03-30. Review status: criteria provided, single submitter. Criteria: Ambry Variant Classification Scheme 2023. Collection method: clinical testing. Allele origin: germline.
Comment: The p.P191A variant (also known as c.571C>G), located in coding exon 5 of the RECQL gene, results from a C to G substitution at nucleotide position 571. The proline at codon 191 is replaced by alanine, an amino acid with highly similar properties. This amino acid position is conserved. In addition, this alteration is predicted to be deleterious by in silico analysis. Based on the available evidence, the clinical significance of this variant remains unclear.